The following is an entry in ClinVar:

NM_001042492.3(NF1):c.4487_4490del (p.Leu1496fs)

Gene: NF1 (neurofibromin 1; plus strand). Cytogenetic location: 17q11.2.
Variant type: Deletion.
Coding change: c.4487_4490del on transcript NM_001042492.3 (MANE Select); coding-DNA positions 4487 to 4490, 4 bases deleted (TTTC; older notation c.4487_4490delTTTC).
Protein change: p.Leu1496fs; shifts the reading frame from leucine 1496.
Molecular consequence: frameshift variant.
Genome position (GRCh38, 1-based): chr17:31,260,425-31,260,428, TTTC deleted; deleting any 4 consecutive bases within chr17:31,260,423-31,260,428 gives the same sequence; the c. name uses the placement nearest the transcript's 3' end. VCF-style (leftmost placement, unchanged base first): chr17-31260422-GTCTT-G. GRCh37 (hg19) VCF-style: chr17-29587440-GTCTT-G.
Other names: c.4424_4427delTTTC, p.Leu1475Profs (NM_000267.4); short protein forms L1496fs, L1475fs.
Identifiers: ClinVar variation 1455453 (VCV001455453.6), dbSNP rs2151464653, ClinGen allele CA2573153651.

ClinVar aggregate classification (germline): Pathogenic (1 of 4 stars; one submission).

Conditions:
Neurofibromatosis, type 1 (NF1). Also called: Neurofibromatosis, type I; VON RECKLINGHAUSEN DISEASE; NEUROFIBROMATOSIS, TYPE I, SOMATIC; Peripheral type neurofibromatosis. Identifiers: Orphanet 636, MedGen C0027831, MONDO:0018975, OMIM 162200. Disease mechanism: loss of function.

Submission:

Labcorp Genetics (formerly Invitae), Labcorp
Classification: Pathogenic for Neurofibromatosis, type 1. Last evaluated: 2021-05-27. Review status: criteria provided, single submitter. Criteria: Invitae Variant Classification Sherloc (09022015). Collection method: clinical testing. Allele origin: germline.
Comment: This sequence change creates a premature translational stop signal (p.Leu1475Profs*3) in the NF1 gene. It is expected to result in an absent or disrupted protein product. Loss-of-function variants in NF1 are known to be pathogenic (PMID: 10712197, 23913538). This variant is not present in population databases (ExAC no frequency). This variant has not been reported in the literature in individuals with NF1-related conditions. For these reasons, this variant has been classified as Pathogenic.

Literature cited by the submitters: PubMed 10712197; PubMed 23913538.